The following is an entry in ClinVar:

NM_006206.6(PDGFRA):c.1412A>G (p.Asn471Ser)

Gene: PDGFRA (platelet derived growth factor receptor alpha; plus strand). Cytogenetic location: 4q12.
Variant type: single nucleotide variant.
Coding change: c.1412A>G on transcript NM_006206.6 (MANE Select); coding-DNA position 1412, A replaced by G.
Protein change: p.Asn471Ser; replaces asparagine 471 with serine.
Molecular consequence: missense variant.
Genome position (GRCh38, 1-based): chr4:54,273,584, A>G. VCF-style: chr4-54273584-A-G. GRCh37 (hg19) VCF-style: chr4-55139751-A-G.
Other names: c.1412A>G, p.Asn471Ser (NM_001347827.2, NM_001347829.2); c.1487A>G, p.Asn496Ser (NM_001347828.2); c.1451A>G, p.Asn484Ser (NM_001347830.2); c.1412A>G (NM_006206.4); short protein forms N484S, N471S, N496S.
Identifiers: ClinVar variation 1044575 (VCV001044575.9), dbSNP rs1199380187, ClinGen allele CA356892515.

ClinVar aggregate classification (germline): Uncertain significance. Review status: criteria provided, multiple submitters, no conflicts (2 of 4 stars). 3 submissions from 3 submitters: Uncertain significance (3). Last evaluated 2024-12-06.

Conditions:
Gastrointestinal stromal tumor. Also called: Gastrointestinal stromal tumor, somatic; Gastrointestinal stroma tumor. Identifiers: Orphanet 44890, MedGen C0238198, MeSH D046152, MONDO:0011719, OMIM 606764, HP:0100723.
Hereditary cancer-predisposing syndrome. Also called: Tumor predisposition; Neoplastic Syndromes, Hereditary; Hereditary neoplastic syndrome; Hereditary Cancer Syndrome. Identifiers: Orphanet 140162, MedGen C0027672, MeSH D009386, MONDO:0015356.

Allele frequency attached by ClinVar (database versions not stated): gnomAD 0.00001.
gnomAD v4.1: 1 of 1,614,028 alleles (0.000062%); highest among the groups gnomAD compares: Non-Finnish European, 0.000085%; no homozygotes.

Submissions (3):

Ambry Genetics
Classification: Uncertain significance for Hereditary cancer-predisposing syndrome. Last evaluated: 2024-12-06. Review status: criteria provided, single submitter. Criteria: Ambry Variant Classification Scheme 2023. Collection method: clinical testing. Allele origin: germline.
Comment: The p.N471S variant (also known as c.1412A>G), located in coding exon 9 of the PDGFRA gene, results from an A to G substitution at nucleotide position 1412. The asparagine at codon 471 is replaced by serine, an amino acid with highly similar properties. This amino acid position is conserved. In addition, this alteration is predicted to be tolerated by in silico analysis. Based on the available evidence, the clinical significance of this variant remains unclear.

GeneDx
Classification: Uncertain significance. Last evaluated: 2024-01-02. Review status: criteria provided, single submitter. Criteria: GeneDx Variant Classification Process June 2021. Collection method: clinical testing. Allele origin: germline. Affected: yes.
Comment: Not observed at significant frequency in large population cohorts (gnomAD); In silico analysis supports that this missense variant does not alter protein structure/function; Has not been previously published as pathogenic or benign to our knowledge

Labcorp Genetics (formerly Invitae), Labcorp
Classification: Uncertain significance for Gastrointestinal stromal tumor. Last evaluated: 2023-11-27. Review status: criteria provided, single submitter. Criteria: Invitae Variant Classification Sherloc (09022015). Collection method: clinical testing. Allele origin: germline.
Comment: This sequence change replaces asparagine, which is neutral and polar, with serine, which is neutral and polar, at codon 471 of the PDGFRA protein (p.Asn471Ser). This variant is present in population databases (no rsID available, gnomAD 0.007%). This variant has not been reported in the literature in individuals affected with PDGFRA-related conditions. ClinVar contains an entry for this variant (Variation ID: 1044575). An algorithm developed to predict the effect of missense changes on protein structure and function (PolyPhen-2) suggests that this variant is likely to be tolerated. In summary, the available evidence is currently insufficient to determine the role of this variant in disease. Therefore, it has been classified as a Variant of Uncertain Significance.